The following is an entry in ClinVar:

ClinVar aggregate classification (germline): Uncertain significance (1 of 4 stars; one submission).

Conditions:
Inborn genetic diseases. Identifiers: MedGen C0950123, MeSH D030342.

Submission:

Ambry Genetics
Classification: Uncertain significance for Inborn genetic diseases. Last evaluated: 2025-04-03. Review status: criteria provided, single submitter. Criteria: Ambry Variant Classification Scheme 2023. Collection method: clinical testing. Allele origin: germline.
Comment: The p.G57A variant (also known as c.170G>C), located in coding exon 1 of the ANKRD26 gene, results from a G to C substitution at nucleotide position 170. The glycine at codon 57 is replaced by alanine, an amino acid with similar properties. This amino acid position is conserved. In addition, the in silico prediction for this alteration is inconclusive. Based on the available evidence, the clinical significance of this variant remains unclear.

NM_014915.3(ANKRD26):c.170G>C (p.Gly57Ala)

Gene: ANKRD26 (ankyrin repeat domain containing 26; minus strand). Cytogenetic location: 10p12.1.
Variant type: single nucleotide variant.
Coding change: c.170G>C on transcript NM_014915.3 (MANE Select); coding-DNA position 170, G replaced by C.
Protein change: p.Gly57Ala; replaces glycine 57 with alanine.
Molecular consequence: missense variant.
Genome position (GRCh38, 1-based): chr10:27,100,157, C>G on the plus strand (G>C on the coding strand, the complement: ANKRD26 is on the minus strand). VCF-style: chr10-27100157-C-G. GRCh37 (hg19) VCF-style: chr10-27389086-C-G.
Other names: c.170G>C, p.Gly57Ala (NM_001256053.2); short protein forms G57A.
Identifiers: ClinVar variation 3912661 (VCV003912661.1).
Genomic context (GRCh38, chr10:27,100,157, plus strand): 5'-TCTCTATCGTTCAAGCCATTCTTCCTGAGCAAAAGGATCTGCTGCACTTTCGCCACATTA[C>G]CCGCGCTGGCAGCTTTGTGGATCTTGCCGAGATCTCGGTCTCGGACGTGGTAGCCGGGCT-3'
Protein context (NP_055730.2, residues 47-67): LGKIHKAASA[Gly57Ala]NVAKVQQILL